The following is an entry in ClinVar:

NM_001370259.2(MEN1):c.380A>G (p.Asn127Ser)

Gene: MEN1 (menin 1; minus strand). Cytogenetic location: 11q13.1.
Variant type: single nucleotide variant.
Coding change: c.380A>G on transcript NM_001370259.2 (MANE Select); coding-DNA position 380, A replaced by G.
Protein change: p.Asn127Ser; replaces asparagine 127 with serine.
Molecular consequence: missense variant.
Genome position (GRCh38, 1-based): chr11:64,809,730, T>C on the plus strand (A>G on the coding strand, the complement: MEN1 is on the minus strand). VCF-style: chr11-64809730-T-C. GRCh37 (hg19) VCF-style: chr11-64577202-T-C.
Other names: c.380A>G, p.Asn127Ser (NM_000244.4, NM_001370251.2, NM_001370260.2 and 9 more transcripts); c.380A>G (NM_130799.2); short protein forms N127S.
Identifiers: ClinVar variation 1415665 (VCV001415665.7), dbSNP rs2136180841, ClinGen allele CA381187285.

ClinVar aggregate classification (germline): Uncertain significance. Review status: criteria provided, multiple submitters, no conflicts (2 of 4 stars). 3 submissions from 3 submitters: Uncertain significance (3). Last evaluated 2025-12-16.

Conditions:
Hereditary cancer-predisposing syndrome. Also called: Neoplastic Syndromes, Hereditary; Tumor predisposition; Hereditary Cancer Syndrome; Hereditary neoplastic syndrome. Identifiers: Orphanet 140162, MedGen C0027672, MeSH D009386, MONDO:0015356.
Multiple endocrine neoplasia, type 1 (MEN1). Also called: Endocrine adenomatosis multiple; MEN 1; MEA I; MEN I; WERMER SYNDROME. Identifiers: Orphanet 652, MedGen C0025267, MeSH D018761, MONDO:0007540, OMIM 131100.

Submissions (3):

Ambry Genetics
Classification: Uncertain significance for Hereditary cancer-predisposing syndrome. Last evaluated: 2025-12-16. Review status: criteria provided, single submitter. Criteria: Ambry Variant Classification Scheme 2023. Collection method: clinical testing. Allele origin: germline.
Comment: The p.N127S variant (also known as c.380A>G), located in coding exon 1 of the MEN1 gene, results from an A to G substitution at nucleotide position 380. The asparagine at codon 127 is replaced by serine, an amino acid with highly similar properties. This amino acid position is highly conserved in available vertebrate species. In addition, the in silico prediction for this alteration is inconclusive. Based on the available evidence, the clinical significance of this variant remains unclear.

Color Diagnostics, LLC DBA Color Health
Classification: Uncertain significance for Multiple endocrine neoplasia, type 1. Last evaluated: 2025-06-18. Review status: criteria provided, single submitter. Criteria: ACMG Guidelines, 2015. Collection method: clinical testing. Allele origin: germline.
Comment: This missense variant replaces asparagine with serine at codon 127 of the MEN1 protein. Computational prediction suggests that this variant may have deleterious impact on protein structure and function. To our knowledge, functional studies have not been reported for this variant. This variant has not been reported in individuals affected with MEN1-related disorders in the literature. This variant has not been identified in the general population by the Genome Aggregation Database (gnomAD). The available evidence is insufficient to determine the role of this variant in disease conclusively. Therefore, this variant is classified as a Variant of Uncertain Significance.

Labcorp Genetics (formerly Invitae), Labcorp
Classification: Uncertain significance for Multiple endocrine neoplasia, type 1. Last evaluated: 2024-06-10. Review status: criteria provided, single submitter. Criteria: Invitae Variant Classification Sherloc (09022015). Collection method: clinical testing. Allele origin: germline.
Comment: This sequence change replaces asparagine, which is neutral and polar, with serine, which is neutral and polar, at codon 127 of the MEN1 protein (p.Asn127Ser). This variant is not present in population databases (gnomAD no frequency). This variant has not been reported in the literature in individuals affected with MEN1-related conditions. ClinVar contains an entry for this variant (Variation ID: 1415665). Advanced modeling of protein sequence and biophysical properties (such as structural, functional, and spatial information, amino acid conservation, physicochemical variation, residue mobility, and thermodynamic stability) performed at Invitae indicates that this missense variant is expected to disrupt MEN1 protein function with a positive predictive value of 95%. In summary, the available evidence is currently insufficient to determine the role of this variant in disease. Therefore, it has been classified as a Variant of Uncertain Significance.